The following is an entry in ClinVar:

ClinVar aggregate classification (germline): Conflicting classifications of pathogenicity. Review status: criteria provided, conflicting classifications (1 of 4 stars). 3 submissions from 3 submitters: Uncertain significance (2); Likely benign (1). Last evaluated 2025-05-13.

Allele frequency attached by ClinVar (database versions not stated): TOPMed below 0.00001; ExAC 0.00002; gnomAD exomes 0.00002.
gnomAD v4.1: 28 of 1,611,932 alleles (0.0017%); highest among the groups gnomAD compares: South Asian, 0.013%; no homozygotes.

Submissions (3):

Ambry Genetics
Classification: Likely benign. Last evaluated: 2025-05-13. Review status: criteria provided, single submitter. Criteria: Ambry Variant Classification Scheme 2023. Collection method: clinical testing. Allele origin: germline.

Labcorp Genetics (formerly Invitae), Labcorp
Classification: Uncertain significance. Last evaluated: 2025-02-12. Review status: criteria provided, single submitter. Criteria: Invitae Variant Classification Sherloc (09022015). Collection method: clinical testing. Allele origin: germline.
Comment: This sequence change replaces serine, which is neutral and polar, with leucine, which is neutral and non-polar, at codon 216 of the RNF43 protein (p.Ser216Leu). This variant is present in population databases (rs775028128, gnomAD 0.01%). This variant has not been reported in the literature in individuals affected with RNF43-related conditions. ClinVar contains an entry for this variant (Variation ID: 1059465). An algorithm developed to predict the effect of missense changes on protein structure and function outputs the following: PolyPhen-2: "Benign". The leucine amino acid residue is found in multiple mammalian species, which suggests that this missense change does not adversely affect protein function. In summary, the available evidence is currently insufficient to determine the role of this variant in disease. Therefore, it has been classified as a Variant of Uncertain Significance.

GeneDx
Classification: Uncertain significance. Last evaluated: 2022-06-27. Review status: criteria provided, single submitter. Criteria: GeneDx Variant Classification Process June 2021. Collection method: clinical testing. Allele origin: germline. Affected: yes.
Comment: Variants in candidate genes are classified as variants of uncertain significance in accordance with ACMG guidelines (Richards et al., 2015); In silico analysis supports that this missense variant does not alter protein structure/function; Has not been previously published as pathogenic or benign to our knowledge

NM_017763.6(RNF43):c.647C>T (p.Ser216Leu)

Gene: RNF43 (ring finger protein 43; minus strand). Cytogenetic location: 17q22.
Variant type: single nucleotide variant.
Coding change: c.647C>T on transcript NM_017763.6 (MANE Select); coding-DNA position 647, C replaced by T.
Protein change: p.Ser216Leu; replaces serine 216 with leucine.
Molecular consequence: missense variant.
Genome position (GRCh38, 1-based): chr17:58,362,584, G>A on the plus strand (C>T on the coding strand, the complement: RNF43 is on the minus strand). VCF-style: chr17-58362584-G-A. GRCh37 (hg19) VCF-style: chr17-56439945-G-A.
Other names: c.647C>T, p.Ser216Leu (NM_001305544.3); c.266C>T, p.Ser89Leu (NM_001305545.2); short protein forms S216L, S89L.
Identifiers: ClinVar variation 1059465 (VCV001059465.11), dbSNP rs775028128, ClinGen allele CA8673360.